The following is an entry in ClinVar:

NM_006080.3(SEMA3A):c.1382T>C (p.Val461Ala)

Gene: SEMA3A (semaphorin 3A; minus strand). Cytogenetic location: 7q21.11.
Variant type: single nucleotide variant.
Coding change: c.1382T>C on transcript NM_006080.3 (MANE Select); coding-DNA position 1382, T replaced by C.
Protein change: p.Val461Ala; replaces valine 461 with alanine.
Molecular consequence: missense variant.
Genome position (GRCh38, 1-based): chr7:84,002,025, A>G on the plus strand (T>C on the coding strand, the complement: SEMA3A is on the minus strand). VCF-style: chr7-84002025-A-G. GRCh37 (hg19) VCF-style: chr7-83631341-A-G.
Other names: short protein forms V461A.
Identifiers: ClinVar variation 746065 (VCV000746065.37), dbSNP rs144690677, ClinGen allele CA4322753.
Genomic context (GRCh38, chr7:84,002,025, plus strand): 5'-GTCATTTCTTCCAGCAGAACCTCTTCTAAATCATACCAAGTCTCCTTAGGAATTGAAACT[A>G]CTTTAAGAACGGTCCCAACATCTTTGAAAGAAAGTGGGGAGAAGACCACAAGTTAAGTAG-3'
Protein context (NP_006071.1, residues 451-471): IGTDVGTVLK[Val461Ala]VSIPKETWYD

ClinVar aggregate classification (germline): Conflicting classifications of pathogenicity. Review status: criteria provided, conflicting classifications (1 of 4 stars). 5 submissions from 5 submitters: Uncertain significance (2); Likely benign (2). 1 of the submissions does not count toward it. Last evaluated 2026-06-04.

Conditions:
SEMA3A-related disorder. Also called: SEMA3A-related condition.

Allele frequency attached by ClinVar (database versions not stated): gnomAD 0.00013 and 0.00014; ExAC 0.00016; gnomAD exomes 0.00019 and 0.00024; TOPMed 0.00019; ESP Exome Variant Server 0.00038.
gnomAD v4.1: 315 of 1,609,840 alleles (0.02%); highest among the groups gnomAD compares: Middle Eastern, 0.033%; 1 homozygote.

Submissions (5):

Women's Health and Genetics/Laboratory Corporation of America, LabCorp
Classification: Likely benign. Last evaluated: 2026-06-04. Review status: criteria provided, single submitter. Criteria: LabCorp Variant Classification Summary - May 2015. Collection method: clinical testing. Allele origin: germline.
Comment: Variant summary: SEMA3A c.1382T>C (p.Val461Ala) results in a non-conservative amino acid change in the encoded protein sequence. Algorithms developed to predict the effect of missense changes on protein structure and function are either unavailable or do not agree on the potential impact of this missense change. The variant allele was found at a frequency of 0.0002 in 1609840 control chromosomes, predominantly at a frequency of 0.0028 within the Ashkenazi-Jewish subpopulation in the gnomAD database. The observed variant frequency within Ashkenazi-Jewish control individuals in the gnomAD database exceeds the estimated maximal expected allele frequency for disease-causing variants in SEMA3A. c.1382T>C has been observed in individual(s) affected with isolated anosmia, without strong evidence for causality (example, Alkelai_2017). These report(s) do not provide unequivocal conclusions about association of the variant with disease. To our knowledge, no experimental evidence demonstrating an impact on protein function has been reported. The following publication has been ascertained in the context of this evaluation (PMID: 29255181). ClinVar contains an entry for this variant (Variation ID: 746065). Based on the evidence outlined above, the variant was classified as likely benign.

GeneDx
Classification: Uncertain significance. Last evaluated: 2024-12-16. Review status: criteria provided, single submitter. Criteria: GeneDx Variant Classification Process June 2021. Collection method: clinical testing. Allele origin: germline. Affected: yes.
Comment: In silico analysis supports that this missense variant has a deleterious effect on protein structure/function; Has not been previously published as pathogenic or benign to our knowledge

CeGaT Center for Human Genetics Tuebingen
Classification: Uncertain significance. Last evaluated: 2023-07-01. Review status: criteria provided, single submitter. Criteria: CeGaT Center For Human Genetics Tuebingen Variant Classification Criteria Version 2. Collection method: clinical testing. Allele origin: germline. Affected: yes. Observed: 1 variant allele.
Comment: SEMA3A: PM2

Labcorp Genetics (formerly Invitae), Labcorp
Classification: Likely benign. Last evaluated: 2022-07-24. Review status: criteria provided, single submitter. Criteria: Invitae Variant Classification Sherloc (09022015). Collection method: clinical testing. Allele origin: germline.

PreventionGenetics, part of Exact Sciences
Classification: Likely benign for SEMA3A-related condition. Last evaluated: 2022-05-12. Review status: no assertion criteria provided. Collection method: clinical testing. Allele origin: germline. Not counted in ClinVar's aggregate classification.
Comment: This variant is classified as likely benign based on ACMG/AMP sequence variant interpretation guidelines (Richards et al. 2015 PMID: 25741868, with internal and published modifications).

Literature cited by the submitters: PubMed 29255181 (cited by Women's Health and Genetics/Laboratory Corporation of America, LabCorp).